The following is an entry in ClinVar:

NM_020632.3(ATP6V0A4):c.1888G>A (p.Ala630Thr)

Gene: ATP6V0A4 (ATPase H+ transporting V0 subunit a4; minus strand). Cytogenetic location: 7q34.
Variant type: single nucleotide variant.
Coding change: c.1888G>A on transcript NM_020632.3 (MANE Select); coding-DNA position 1888, G replaced by A.
Protein change: p.Ala630Thr; replaces alanine 630 with threonine.
Molecular consequence: missense variant.
Genome position (GRCh38, 1-based): chr7:138,732,897, C>T on the plus strand (G>A on the coding strand, the complement: ATP6V0A4 is on the minus strand). VCF-style: chr7-138732897-C-T. GRCh37 (hg19) VCF-style: chr7-138417642-C-T.
Other names: p.Ala630Thr; c.1888G>A, p.Ala630Thr (NM_130840.3, NM_130841.3); short protein forms A630T.
Identifiers: ClinVar variation 359013 (VCV000359013.18), dbSNP rs73730479, ClinGen allele CA4504630.

ClinVar aggregate classification (germline): Benign/Likely benign. Review status: criteria provided, multiple submitters, no conflicts (2 of 4 stars). 6 submissions from 6 submitters: Benign (4); Likely benign (2). Last evaluated 2026-01-28.

Conditions:
Autosomal recessive distal renal tubular acidosis. Identifiers: Orphanet 402041, MedGen C1864498, MONDO:0018440.

Allele frequency attached by ClinVar (database versions not stated): ExAC 0.01647; gnomAD 0.03249 and 0.03401; ESP Exome Variant Server 0.03660; TOPMed 0.03862; 1000 Genomes Project 0.04193; 1000 Genomes Project 30x 0.04310.
gnomAD v4.1: 13,398 of 1,609,448 alleles (0.83%); highest among the groups gnomAD compares: African/African-American, 10%; 519 homozygotes.

Submissions (6):

Labcorp Genetics (formerly Invitae), Labcorp
Classification: Benign. Last evaluated: 2026-01-28. Review status: criteria provided, single submitter. Criteria: Invitae Variant Classification Sherloc (09022015). Collection method: clinical testing. Allele origin: germline.

Mayo Clinic Laboratories, Mayo Clinic
Classification: Benign. Last evaluated: 2023-10-13. Review status: criteria provided, single submitter. Criteria: ACMG Guidelines, 2015. Collection method: clinical testing. Allele origin: germline. Observed: 5 variant alleles.
Comment: BA1, BS2, BP4

Women's Health and Genetics/Laboratory Corporation of America, LabCorp
Classification: Likely benign. Last evaluated: 2021-12-10. Review status: criteria provided, single submitter. Criteria: LabCorp Variant Classification Summary - May 2015. Collection method: clinical testing. Allele origin: germline.

GeneDx
Classification: Benign. Last evaluated: 2020-02-03. Review status: criteria provided, single submitter. Criteria: GeneDx Variant Classification Process June 2021. Collection method: clinical testing. Allele origin: germline. Affected: yes.
Comment: This variant is associated with the following publications: (PMID: 29627839, 28233610)

Illumina Laboratory Services, Illumina
Classification: Benign for Renal tubular acidosis, distal, 3, with or without sensorineural hearing loss. Last evaluated: 2018-01-13. Review status: criteria provided, single submitter. Criteria: ICSL Variant Classification Criteria 13 December 2019. Collection method: clinical testing. Allele origin: germline.
Comment: This variant was observed in the ICSL laboratory as part of a predisposition screen in an ostensibly healthy population. It had not been previously curated by ICSL or reported in the Human Gene Mutation Database (HGMD: prior to June 1st, 2018), and was therefore a candidate for classification through an automated scoring system. Utilizing variant allele frequency, disease prevalence and penetrance estimates, and inheritance mode, an automated score was calculated to assess if this variant is too frequent to cause the disease. Based on the score and internal cut-off values, a variant classified as benign is not then subjected to further curation. The score for this variant resulted in a classification of benign for this disease.

Breakthrough Genomics
Classification: Likely benign. Review status: criteria provided, single submitter. Criteria: ACMG Guidelines, 2015. Collection method: not provided. Allele origin: germline. Inheritance: Autosomal recessive inheritance. Affected: yes.

Literature cited by the submitters: PubMed 28233610 (cited by Mayo Clinic Laboratories, Mayo Clinic); PubMed 29627839 (cited by Mayo Clinic Laboratories, Mayo Clinic).